The following is an entry in ClinVar:

NM_020774.4(MIB1):c.1588C>T (p.Arg530Ter)

Gene: MIB1 (MIB E3 ubiquitin protein ligase 1; plus strand). Cytogenetic location: 18q11.2.
Variant type: single nucleotide variant.
Coding change: c.1588C>T on transcript NM_020774.4 (MANE Select); coding-DNA position 1588, C replaced by T.
Protein change: p.Arg530Ter; replaces arginine 530 with a stop codon.
Molecular consequence: nonsense.
Genome position (GRCh38, 1-based): chr18:21,815,724, C>T. VCF-style: chr18-21815724-C-T. GRCh37 (hg19) VCF-style: chr18-19395685-C-T.
Other names: p.Arg530*; short protein forms R530*.
Identifiers: ClinVar variation 40092 (VCV000040092.11), dbSNP rs201850378, ClinGen allele CA130742.

ClinVar aggregate classification (germline): Conflicting classifications of pathogenicity. Review status: criteria provided, conflicting classifications (1 of 4 stars). 8 submissions from 8 submitters: Pathogenic (1); Likely pathogenic (3); Uncertain significance (1). 3 of the submissions do not count toward it. Last evaluated 2025-08-05.

Conditions:
Left ventricular noncompaction 7 (LVNC7). Identifiers: Orphanet 54260, MedGen C3554496, MONDO:0014042, OMIM 615092.

Allele frequency attached by ClinVar (database versions not stated): ExAC 0.00005; gnomAD 0.00007; TOPMed 0.00003; gnomAD exomes 0.00004.
gnomAD v4.1: 64 of 1,613,948 alleles (0.004%); highest among the groups gnomAD compares: Admixed American, 0.005%; no homozygotes.

Submissions (8):

GeneDx
Classification: Uncertain significance. Last evaluated: 2025-08-05. Review status: criteria provided, single submitter. Criteria: GeneDx Variant Classification Process June 2021. Collection method: clinical testing. Allele origin: germline. Affected: yes.
Comment: Identified in association with LVNC and DCM (PMID: 30847666, 23314057); Nonsense variant predicted to result in protein truncation or nonsense mediated decay in a gene or region of a gene for which loss of function is not a well-established mechanism of disease; Variants in candidate genes are classified as variants of uncertain significance in accordance with ACMG guidelines (PMID: 25741868); This variant is associated with the following publications: (PMID: 23314057, 27066506, 36368308, 30847666)

Institute of Immunology and Genetics Kaiserslautern
Classification: Pathogenic for Left ventricular noncompaction 7. Last evaluated: 2025-06-04. Review status: criteria provided, single submitter. Criteria: ACMG Guidelines, 2015. Collection method: clinical testing. Allele origin: germline. Affected: yes.
Comment: ACMG Criteria: PVS1, PS4, PM2, PP5; Variant was found in heterozygous state.

Petrovsky National Research Centre of Surgery, The Federal Agency for Scientific Organizations
Classification: Likely pathogenic for Left ventricular noncompaction 7. Last evaluated: 2024-05-20. Review status: criteria provided, single submitter. Criteria: ACMG Guidelines, 2015. Collection method: clinical testing. Allele origin: germline. Inheritance: Autosomal dominant inheritance. Affected: yes. Observed: 1 heterozygote.
Comment: The c.1588C>T (p.Arg530*) genetic variant is in The Genome Aggregation Database (gnomAD) v2.1.1 and v4.1.0 with total MAF 0.00004598 and 0.00003965 respectively (Date of access 18-06-2023). ClinVar contains an entry for this variant (Variation ID: 40092). This variant leads to NMD of the mutant transcript according to in silico predictors and Luxán et al. (2013) experimental data (PMID: 23314057). Based on these evidences, we consider it to classify this variant as Likely Pathogenic.

Baylor Genetics
Classification: Likely pathogenic for Left ventricular noncompaction 7. Last evaluated: 2023-03-08. Review status: criteria provided, single submitter. Criteria: ACMG Guidelines, 2015. Collection method: clinical testing. Allele origin: unknown.

Genome Diagnostics Laboratory, University Medical Center Utrecht
Classification: Likely pathogenic for Left ventricular noncompaction 7. Last evaluated: 2016-11-17. Review status: criteria provided, single submitter. Criteria: ACGS Guidelines, 2013. Collection method: clinical testing. Allele origin: germline. Affected: yes. Study: VKGL Data-share Consensus.

OMIM
Classification: Pathogenic for LEFT VENTRICULAR NONCOMPACTION 7. Last evaluated: 2013-02-01. Review status: no assertion criteria provided. Collection method: literature only. Allele origin: germline. Not counted in ClinVar's aggregate classification.

Clinical Genetics, Academic Medical Center
Classification: Likely pathogenic. Review status: no assertion criteria provided. Collection method: clinical testing. Allele origin: germline. Affected: yes. Study: VKGL Data-share Consensus. Not counted in ClinVar's aggregate classification.

Diagnostic Laboratory, Department of Genetics, University Medical Center Groningen
Classification: Likely pathogenic. Review status: no assertion criteria provided. Collection method: clinical testing. Allele origin: germline. Affected: yes. Study: VKGL Data-share Consensus. Not counted in ClinVar's aggregate classification.

Literature cited by the submitters: PubMed 23314057 (cited by OMIM).